The following is an entry in ClinVar:

ClinVar aggregate classification (germline): Uncertain significance. Review status: criteria provided, multiple submitters, no conflicts (2 of 4 stars). 3 submissions from 3 submitters: Uncertain significance (3). Last evaluated 2024-04-17.

Conditions:
Senior-Loken syndrome 7 (SLSN7). Identifiers: Orphanet 3156, MedGen C3150877, MONDO:0013326, OMIM 613615.
Bardet-Biedl syndrome 16 (BBS16). Identifiers: Orphanet 110, MedGen C3889474, MONDO:0014444, OMIM 615993.
Inborn genetic diseases. Identifiers: MedGen C0950123, MeSH D030342.

Allele frequency attached by ClinVar (database versions not stated): gnomAD exomes below 0.00001 and 0.00002; ExAC 0.00002; gnomAD 0.00007 and 0.00008; TOPMed 0.00007.
gnomAD v4.1: 14 of 1,613,950 alleles (0.00087%); highest among the groups gnomAD compares: African/African-American, 0.016%; no homozygotes.

Submissions (3):

Fulgent Genetics
Classification: Uncertain significance for Senior-Loken syndrome 7; Bardet-Biedl syndrome 16. Last evaluated: 2024-04-17. Review status: criteria provided, single submitter. Criteria: ACMG Guidelines, 2015. Collection method: clinical testing. Allele origin: germline.

Labcorp Genetics (formerly Invitae), Labcorp
Classification: Uncertain significance for Bardet-Biedl syndrome 16; Senior-Loken syndrome 7. Last evaluated: 2022-10-24. Review status: criteria provided, single submitter. Criteria: Invitae Variant Classification Sherloc (09022015). Collection method: clinical testing. Allele origin: germline.
Comment: This variant has not been reported in the literature in individuals affected with SDCCAG8-related conditions. This sequence change replaces serine, which is neutral and polar, with alanine, which is neutral and non-polar, at codon 144 of the SDCCAG8 protein (p.Ser144Ala). This variant is present in population databases (rs749010399, gnomAD 0.03%). ClinVar contains an entry for this variant (Variation ID: 1345759). Advanced modeling of protein sequence and biophysical properties (such as structural, functional, and spatial information, amino acid conservation, physicochemical variation, residue mobility, and thermodynamic stability) performed at Invitae indicates that this missense variant is not expected to disrupt SDCCAG8 protein function. In summary, the available evidence is currently insufficient to determine the role of this variant in disease. Therefore, it has been classified as a Variant of Uncertain Significance.

Ambry Genetics
Classification: Uncertain significance for Inborn genetic diseases. Last evaluated: 2021-09-02. Review status: criteria provided, single submitter. Criteria: Ambry Variant Classification Scheme 2023. Collection method: clinical testing. Allele origin: germline.

NM_006642.5(SDCCAG8):c.430T>G (p.Ser144Ala)

Gene: SDCCAG8 (SHH signaling and ciliogenesis regulator SDCCAG8; plus strand). Cytogenetic location: 1q43.
Variant type: single nucleotide variant.
Coding change: c.430T>G on transcript NM_006642.5 (MANE Select); coding-DNA position 430, T replaced by G.
Protein change: p.Ser144Ala; replaces serine 144 with alanine.
Molecular consequence: missense variant. On other transcripts: 5 prime UTR variant (3).
Genome position (GRCh38, 1-based): chr1:243,286,281, T>G. VCF-style: chr1-243286281-T-G. GRCh37 (hg19) VCF-style: chr1-243449583-T-G.
Other names: c.430T>G (NM_006642.3); c.-683T>G (NM_001350246.2); c.-571T>G (NM_001350247.2); c.430T>G, p.Ser144Ala (NM_001350248.2); c.136T>G, p.Ser46Ala (NM_001350249.2); c.-944T>G (NM_001350251.2); short protein forms S144A, S46A.
Identifiers: ClinVar variation 1345759 (VCV001345759.9), dbSNP rs749010399, ClinGen allele CA1483315.
Genomic context (GRCh38, chr1:243,286,281, plus strand): 5'-ATAAAAACACTGCTTAATAATGCTTAATGTGTTTGGTTTTGTTTATTATAGGAGGAACTC[T>G]CTGGAATGAAAAATAAAATACAAGTAGTTGTGCTTGAAAACGAAGGGCTCCAGCAACAGC-3'
Protein context (NP_006633.1, residues 134-154): AEVKFCKEEL[Ser144Ala]GMKNKIQVVV